The following is an entry in ClinVar:

NM_012144.4(DNAI1):c.1286dup (p.Lys430fs)

Gene: DNAI1 (dynein axonemal intermediate chain 1; plus strand). Cytogenetic location: 9p13.3.
Variant type: Duplication.
Coding change: c.1286dup on transcript NM_012144.4 (MANE Select); coding-DNA position 1286, one base duplicated (G; older notation c.1286dupG).
Protein change: p.Lys430fs; shifts the reading frame from lysine 430.
Molecular consequence: frameshift variant.
Genome position (GRCh38, 1-based): chr9:34,506,849, G duplicated; the last of 2 consecutive G bases (chr9:34,506,848-34,506,849); duplicating either gives the same sequence. VCF-style (leftmost placement, unchanged base first): chr9-34506847-T-TG. GRCh37 (hg19) VCF-style: chr9-34506845-T-TG.
Other names: c.1298dup, p.Lys434fs (NM_001281428.2); short protein forms K430fs, K434fs.
Identifiers: ClinVar variation 5012319 (VCV005012319.1).
Genomic context (GRCh38, chr9:34,506,847, plus strand): 5'-GGCCATTTACAACCTCAAGAAGCCCCACTCCCAGCCCTCCTTCTGCAGCTCAGCCAAGTC[T>TG]GGCAAGCACTCAGACCCTGTGTGGCAGGTCAGCAACCAGGCTGGGAGGGGTGGGGATGGG-3'

ClinVar aggregate classification (germline): Pathogenic (1 of 4 stars; one submission).

Conditions:
Kartagener syndrome (CILD1). Also called: CILIARY DYSKINESIA, PRIMARY, 1; CILIARY DYSKINESIA, PRIMARY, 1, WITH OR WITHOUT SITUS INVERSUS; IMMOTILE CILIA SYNDROME; POLYNESIAN BRONCHIECTASIS; Dextrocardia bronchiectasis and sinusitis; SIEWERT SYNDROME. Identifiers: Orphanet 244, MedGen C4551906, MONDO:0009484, OMIM 244400.

Submission:

Myriad Genetics, Inc.
Classification: Pathogenic for Kartagener syndrome. Last evaluated: 2023-09-27. Review status: criteria provided, single submitter. Criteria: Myriad Autosomal Dominant, Autosomal Recessive and X-Linked Classification Criteria (2023). Collection method: clinical testing. Allele origin: unknown.
Comment: NM_012144.2(DNAI1):c.1286dupG(K430Qfs*15) is expected to be pathogenic in the context of primary ciliary dyskinesia, DNAI1-related. This variant is predicted to lead to an abnormal or absent protein product due to the creation of a premature termination codon in DNAI1, a gene where loss-of-function variants are known to be pathogenic. Please note: this variant was assessed in the context of healthy population screening.